The following is an entry in ClinVar:

ClinVar aggregate classification (germline): Uncertain significance (1 of 4 stars; one submission).

Submission:

CeGaT Center for Human Genetics Tuebingen
Classification: Uncertain significance. Last evaluated: 2026-07-01. Review status: criteria provided, single submitter. Criteria: CeGaT Center For Human Genetics Tuebingen Variant Classification Criteria Version 2. Collection method: clinical testing. Allele origin: germline. Affected: yes. Observed: 1 variant allele.
Comment: VPS11: PM2

NM_021729.6(VPS11):c.1744_1747del (p.Glu582fs)

Gene: VPS11 (VPS11 core subunit of CORVET and HOPS complexes; plus strand). Cytogenetic location: 11q23.3.
Variant type: Deletion.
Coding change: c.1744_1747del on transcript NM_021729.6 (MANE Select); coding-DNA positions 1744 to 1747, 4 bases deleted (GAGG; older notation c.1744_1747delGAGG).
Protein change: p.Glu582fs; shifts the reading frame from glutamic acid 582.
Molecular consequence: frameshift variant. On other transcripts: non-coding transcript variant (8).
Genome position (GRCh38, 1-based): chr11:119,078,049-119,078,052, GAGG deleted; deleting any 4 consecutive bases within chr11:119,078,046-119,078,052 gives the same sequence; the c. name uses the placement nearest the transcript's 3' end. VCF-style (leftmost placement, unchanged base first): chr11-119078045-TAGGG-T. GRCh37 (hg19) VCF-style: chr11-118948755-TAGGG-T.
Other names: c.1714_1717del, p.Glu572fs (NM_001290185.2); c.1756_1759del, p.Glu586fs (NM_001378218.1, NM_001378219.1); c.1729_1732del, p.Glu577fs (NM_001378220.1); c.1726_1729del, p.Glu576fs (NM_001378221.1); short protein forms E572fs, E576fs, E577fs, E582fs, E586fs.
Identifiers: ClinVar variation 5040060 (VCV005040060.1).